The following is an entry in ClinVar:

NM_001256545.2(MEGF10):c.952G>A (p.Val318Ile)

Gene: MEGF10 (multiple EGF like domains 10; plus strand). Cytogenetic location: 5q23.2.
Variant type: single nucleotide variant.
Coding change: c.952G>A on transcript NM_001256545.2 (MANE Select); coding-DNA position 952, G replaced by A.
Protein change: p.Val318Ile; replaces valine 318 with isoleucine.
Molecular consequence: missense variant.
Genome position (GRCh38, 1-based): chr5:127,410,423, G>A. VCF-style: chr5-127410423-G-A. GRCh37 (hg19) VCF-style: chr5-126746115-G-A.
Other names: c.952G>A, p.Val318Ile (NM_001308119.2, NM_001308121.2, NM_032446.3); short protein forms V318I.
Identifiers: ClinVar variation 957222 (VCV000957222.14), dbSNP rs959864264, ClinGen allele CA126939346.

ClinVar aggregate classification (germline): Uncertain significance. Review status: criteria provided, multiple submitters, no conflicts (2 of 4 stars). 3 submissions from 3 submitters: Uncertain significance (3). Last evaluated 2022-09-27.

Conditions:
MEGF10-related myopathy (CMYO10A). Also called: Congenital myopathy 10A, severe variant. Identifiers: Orphanet 439212, MedGen C3280679, MONDO:0013731, OMIM 614399.

Allele frequency attached by ClinVar (database versions not stated): gnomAD exomes 0.00001 and 0.00002; gnomAD 0.00002 and 0.00003; TOPMed 0.00003.
gnomAD v4.1: 30 of 1,614,104 alleles (0.0019%); highest among the groups gnomAD compares: Admixed American, 0.005%; no homozygotes.

Submissions (3):

Labcorp Genetics (formerly Invitae), Labcorp
Classification: Uncertain significance for MEGF10-related myopathy. Last evaluated: 2022-09-27. Review status: criteria provided, single submitter. Criteria: Invitae Variant Classification Sherloc (09022015). Collection method: clinical testing. Allele origin: germline.
Comment: This sequence change replaces valine, which is neutral and non-polar, with isoleucine, which is neutral and non-polar, at codon 318 of the MEGF10 protein (p.Val318Ile). This variant is present in population databases (no rsID available, gnomAD 0.002%). This variant has not been reported in the literature in individuals affected with MEGF10-related conditions. ClinVar contains an entry for this variant (Variation ID: 957222). Advanced modeling of protein sequence and biophysical properties (such as structural, functional, and spatial information, amino acid conservation, physicochemical variation, residue mobility, and thermodynamic stability) performed at Invitae indicates that this missense variant is not expected to disrupt MEGF10 protein function. In summary, the available evidence is currently insufficient to determine the role of this variant in disease. Therefore, it has been classified as a Variant of Uncertain Significance.

Mayo Clinic Laboratories, Mayo Clinic
Classification: Uncertain significance. Last evaluated: 2021-02-10. Review status: criteria provided, single submitter. Criteria: ACMG Guidelines, 2015. Collection method: clinical testing. Allele origin: germline. Observed: 1 variant allele.

GeneDx
Classification: Uncertain significance. Last evaluated: 2020-10-08. Review status: criteria provided, single submitter. Criteria: GeneDx Variant Classification Process June 2021. Collection method: clinical testing. Allele origin: germline. Affected: yes.
Comment: Not observed at a significant frequency in large population cohorts (Lek et al., 2016); In silico analysis supports that this missense variant does not alter protein structure/function; Has not been previously published as pathogenic or benign to our knowledge